The following is an entry in ClinVar:

NM_001278716.2(FBXL4):c.1389+5G>A

Gene: FBXL4 (F-box and leucine rich repeat protein 4; minus strand). Cytogenetic location: 6q16.1.
Variant type: single nucleotide variant.
Coding change: c.1389+5G>A on transcript NM_001278716.2 (MANE Select); 5 bases into the intron after coding-DNA position 1389, G replaced by A.
Molecular consequence: intron variant.
Genome position (GRCh38, 1-based): chr6:98,880,548, C>T on the plus strand (G>A on the coding strand, the complement: FBXL4 is on the minus strand). VCF-style: chr6-98880548-C-T. GRCh37 (hg19) VCF-style: chr6-99328424-C-T.
Other names: c.1389+5G>A (NM_012160.5).
Identifiers: ClinVar variation 437747 (VCV000437747.1), dbSNP rs756894323, ClinGen allele CA3933460.

ClinVar aggregate classification (germline): Uncertain significance (1 of 4 stars; one submission).

Conditions:
Mitochondrial DNA depletion syndrome 13. Also called: FBXL4-Related Encephalomyopathic Mitochondrial DNA Depletion Syndrome; Mitochondrial DNA depletion syndrome 13 (encephalomyopathic type). Identifiers: Orphanet 369897, MedGen C3809592, MONDO:0014198, OMIM 615471.

Allele frequency attached by ClinVar (database versions not stated): gnomAD exomes below 0.00001; ExAC 0.00001.
gnomAD v4.1: 3 of 1,613,130 alleles (0.00019%); highest among the groups gnomAD compares: Non-Finnish European, 0.00025%; no homozygotes.

Submission:

Wong Mito Lab, Molecular and Human Genetics, Baylor College of Medicine
Classification: Uncertain significance for Mitochondrial DNA depletion syndrome 13. Last evaluated: 2017-08-10. Review status: criteria provided, single submitter. Criteria: ACMG Guidelines, 2015. Collection method: reference population. Allele origin: germline.
Comment: The NM_012160.4:c.1389+5G>A (NP_036292.2:p.=) [GRCH38: NC_000006.12:g.98880548C>T] variant in FBXL4 gene is interpretated to be a Uncertain Significance - Insufficient Evidence based on ACMG guidelines (PMID: 25741868). This variant meets one or more of the following evidence codes reported in the ACMG-guideline. PM2:This variant is absent in key population databases. Based on this evidence code ClinGen Pathogenicity Calculator (PMID:28081714) suggested that the variant is Uncertain Significance - Insufficient Evidence.